The following is an entry in ClinVar:

ClinVar aggregate classification (germline): Uncertain significance (1 of 4 stars; one submission).

Allele frequency attached by ClinVar (database versions not stated): gnomAD exomes below 0.00001.
gnomAD v4.1: 3 of 1,613,824 alleles (0.00019%); highest among the groups gnomAD compares: Non-Finnish European, 0.00017%; no homozygotes.

Submission:

Labcorp Genetics (formerly Invitae), Labcorp
Classification: Uncertain significance. Last evaluated: 2022-01-18. Review status: criteria provided, single submitter. Criteria: Invitae Variant Classification Sherloc (09022015). Collection method: clinical testing. Allele origin: germline.
Comment: In summary, the available evidence is currently insufficient to determine the role of this variant in disease. Therefore, it has been classified as a Variant of Uncertain Significance. Algorithms developed to predict the effect of missense changes on protein structure and function are either unavailable or do not agree on the potential impact of this missense change (SIFT: "Deleterious"; PolyPhen-2: "Probably Damaging"; Align-GVGD: "Class C0"). This variant has not been reported in the literature in individuals affected with TYRP1-related conditions. This variant is not present in population databases (gnomAD no frequency). This sequence change replaces tryptophan, which is neutral and slightly polar, with cysteine, which is neutral and slightly polar, at codon 90 of the TYRP1 protein (p.Trp90Cys).

NM_000550.3(TYRP1):c.270G>T (p.Trp90Cys)

Gene: TYRP1 (tyrosinase related protein 1; plus strand). Cytogenetic location: 9p23.
Variant type: single nucleotide variant.
Coding change: c.270G>T on transcript NM_000550.3 (MANE Select); coding-DNA position 270, G replaced by T.
Protein change: p.Trp90Cys; replaces tryptophan 90 with cysteine.
Molecular consequence: missense variant.
Genome position (GRCh38, 1-based): chr9:12,694,266, G>T. VCF-style: chr9-12694266-G-T. GRCh37 (hg19) VCF-style: chr9-12694266-G-T.
Other names: short protein forms W90C.
Identifiers: ClinVar variation 2087704 (VCV002087704.2), dbSNP rs907934167, ClinGen allele CA189305047.
Genomic context (GRCh38, chr9:12,694,266, plus strand): 5'-AGACTCCCGGCCCCACAGCCCTCAGTATCCCCATGATGGCAGAGATGATCGGGAGGTCTG[G>T]CCCTTGCGCTTCTTCAATAGGACATGTCACTGCAACGGCAATTTCTCAGGACACAACTGT-3'
Protein context (NP_000541.1, residues 80-100): PHDGRDDREV[Trp90Cys]PLRFFNRTCH